The following is an entry in ClinVar:

NM_000237.3(LPL):c.85G>A (p.Asp29Asn)

Gene: LPL (lipoprotein lipase; plus strand). Cytogenetic location: 8p21.3.
Variant type: single nucleotide variant.
Coding change: c.85G>A on transcript NM_000237.3 (MANE Select); coding-DNA position 85, G replaced by A.
Protein change: p.Asp29Asn; replaces aspartic acid 29 with asparagine.
Molecular consequence: missense variant.
Genome position (GRCh38, 1-based): chr8:19,939,525, G>A. VCF-style: chr8-19939525-G-A. GRCh37 (hg19) VCF-style: chr8-19797036-G-A.
Other names: short protein forms D29N.
Identifiers: ClinVar variation 4536100 (VCV004536100.1).

ClinVar aggregate classification (germline): Uncertain significance (1 of 4 stars; one submission).

gnomAD v4.1: 2 of 1,607,116 alleles (0.00012%); highest among the groups gnomAD compares: Non-Finnish European, 0.00017%; no homozygotes.

Submission:

Women's Health and Genetics/Laboratory Corporation of America, LabCorp
Classification: Uncertain significance. Last evaluated: 2025-09-22. Review status: criteria provided, single submitter. Criteria: LabCorp Variant Classification Summary - May 2015. Collection method: clinical testing. Allele origin: germline.
Comment: Variant summary: LPL c.85G>A (p.Asp29Asn) results in a conservative amino acid change in the encoded protein sequence. Algorithms developed to predict the effect of missense changes on protein structure and function all suggest that this variant is likely to be tolerated. The frequency data for this variant in gnomAD is considered unreliable, as metrics indicate poor data quality at this position. To our knowledge, no occurrence of c.85G>A in individuals affected with LPL-related conditions and no experimental evidence demonstrating its impact on protein function have been reported. No submitters have cited clinical-significance assessments for this variant to ClinVar. Based on the evidence outlined above, the variant was classified as uncertain significance.